The following is an entry in ClinVar:

ClinVar aggregate classification (germline): Uncertain significance (1 of 4 stars; one submission).

Conditions:
Ellis-van Creveld syndrome (EVC). Also called: MESOECTODERMAL DYSPLASIA; Chondroectodermal dysplasia; EVC-Related Ellis-van Creveld Syndrome; EVC2-Related Ellis-van Creveld Syndrome. Identifiers: Orphanet 289, MedGen C0013903, MONDO:0009162, OMIM 225500.
Curry-Hall syndrome (WAD). Also called: WEYERS ACRODENTAL DYSOSTOSIS. Identifiers: Orphanet 952, MedGen C0457013, MONDO:0008673, OMIM 193530.

Submission:

Labcorp Genetics (formerly Invitae), Labcorp
Classification: Uncertain significance for Curry-Hall syndrome; Ellis-van Creveld syndrome. Last evaluated: 2023-09-04. Review status: criteria provided, single submitter. Criteria: Invitae Variant Classification Sherloc (09022015). Collection method: clinical testing. Allele origin: unknown.
Comment: In summary, the available evidence is currently insufficient to determine the role of this variant in disease. Therefore, it has been classified as a Variant of Uncertain Significance. This variant disrupts a region of the EVC2 protein in which other variant(s) (p.Ile283Arg) have been observed in individuals with EVC2-related conditions (PMID: 12571802, 19810119, 23220543). This suggests that this is a clinically significant region of the protein, and that variants that disrupt it are likely to be disease-causing. Experimental studies and prediction algorithms are not available or were not evaluated, and the functional significance of this variant is currently unknown. This variant has not been reported in the literature in individuals affected with EVC2-related conditions. This variant is a gross deletion of the genomic region encompassing exon(s) 7 of the EVC2 gene. This variant would be expected to be in-frame, preserving the integrity of the reading frame.

Literature cited by the submitters: PubMed 12571802; PubMed 19810119; PubMed 23220543.

NC_000004.11:g.(?_5682967)_(5683060_?)del

Gene: EVC2 (EvC ciliary complex subunit 2; minus strand). Cytogenetic location: 4p16.2.
Variant type: Deletion.
Identifiers: ClinVar variation 3246623 (VCV003246623.1).